The following is an entry in ClinVar:

NM_001130987.2(DYSF):c.5265C>G (p.Tyr1755Ter)

Gene: DYSF (dysferlin; plus strand). Cytogenetic location: 2p13.2.
Variant type: single nucleotide variant.
Coding change: c.5265C>G on transcript NM_001130987.2 (MANE Select); coding-DNA position 5265, C replaced by G.
Protein change: p.Tyr1755Ter; replaces tyrosine 1755 with a stop codon.
Molecular consequence: nonsense.
Genome position (GRCh38, 1-based): chr2:71,665,252, C>G. VCF-style: chr2-71665252-C-G. GRCh37 (hg19) VCF-style: chr2-71892382-C-G.
Other names: c.5241C>G, p.Tyr1747Ter (NM_001130979.2); c.5199C>G, p.Tyr1733Ter (NM_001130980.2); c.5262C>G, p.Tyr1754Ter (NM_001130981.2); c.5244C>G, p.Tyr1748Ter (NM_001130982.2); c.5214C>G, p.Tyr1738Ter (NM_001130983.2); c.5172C>G, p.Tyr1724Ter (NM_001130984.2); c.5202C>G, p.Tyr1734Ter (NM_001130985.2); c.5109C>G, p.Tyr1703Ter (NM_001130986.2); and 5 more; short protein forms Y1702*, Y1703*, Y1716*, Y1717*, Y1723*, Y1724*, Y1733*, Y1734*.
Identifiers: ClinVar variation 1724785 (VCV001724785.3), dbSNP rs2546547546, ClinGen allele CA347221083.
Genomic context (GRCh38, chr2:71,665,252, plus strand): 5'-CCGCCCCTCCCAGCTCCTCCACCTCTTCTGCCAGCAGCATAGAGTCAAGGCACCTGTGTA[C>G]CGGACAGACCGTGTAATGTTTCAGGATAAAGAATATTCCATTGAAGAGATAGGTGAGCTG-3'

ClinVar aggregate classification (germline): Likely pathogenic (1 of 4 stars; one submission).

Conditions:
Autosomal recessive limb-girdle muscular dystrophy. Identifiers: Orphanet 102015, MedGen C2931907, MONDO:0015152.

Submission:

Myriad Genetics, Inc.
Classification: Likely pathogenic for Autosomal recessive limb-girdle muscular dystrophy. Last evaluated: 2022-02-27. Review status: criteria provided, single submitter. Criteria: Myriad Autosomal Dominant, Autosomal Recessive and X-Linked Classification Criteria (2023). Collection method: clinical testing. Allele origin: unknown.
Comment: NM_003494.3(DYSF):c.5148C>G(Y1716*) is expected to be pathogenic in the context of dysferlinopathy. This variant is predicted to lead to an abnormal or absent protein product due to the creation of a premature termination codon in DYSF, a gene where loss-of-function variants are known to be pathogenic. Please note: this variant was assessed in the context of healthy population screening.